The following is an entry in ClinVar:

ClinVar aggregate classification (germline): Uncertain significance. Review status: criteria provided, multiple submitters, no conflicts (2 of 4 stars). 3 submissions from 3 submitters: Uncertain significance (3). Last evaluated 2026-04-01.

Conditions:
PKHD1-related disorder. Also called: PKHD1-related condition.
Polycystic kidney disease 4 (PKD4). Also called: PKD3; Autosomal Recessive Polycystic Kidney Disease – PKHD1; POLYCYSTIC KIDNEY AND HEPATIC DISEASE 1; POLYCYSTIC KIDNEY DISEASE, INFANTILE, TYPE I; POLYCYSTIC KIDNEY DISEASE 4 WITH OR WITHOUT POLYCYSTIC LIVER DISEASE. Identifiers: MedGen C4540575, MONDO:0033004, OMIM 263200.

Allele frequency attached by ClinVar (database versions not stated): gnomAD exomes below 0.00001; ExAC 0.00001; gnomAD 0.00001; TOPMed 0.00001; 1000 Genomes Project 30x 0.00016; 1000 Genomes Project 0.00020.
gnomAD v4.1: 7 of 1,614,136 alleles (0.00043%); highest among the groups gnomAD compares: Admixed American, 0.0067%; no homozygotes.

Submissions (3):

PreventionGenetics, part of Exact Sciences
Classification: Uncertain significance for PKHD1-related condition. Last evaluated: 2026-04-01. Review status: criteria provided, single submitter. Criteria: ACMG Guidelines, 2015. Collection method: clinical testing. Allele origin: germline.
Comment: The PKHD1 c.4273C>T variant is predicted to result in the amino acid substitution p.Leu1425Phe. To our knowledge, this variant has not been reported in the literature. This variant is reported in 0.0029% of alleles in individuals of Latino descent in gnomAD. A different variant affecting the same amino acid (p.Leu1425Arg) was reported in one patient with autosomal recessive polycystic kidney disease (Liu. 2014. PubMed ID: 25124979). At this time, the clinical significance of this variant is uncertain due to the absence of conclusive functional and genetic evidence.

Fulgent Genetics
Classification: Uncertain significance for Polycystic kidney disease 4. Last evaluated: 2021-09-20. Review status: criteria provided, single submitter. Criteria: ACMG Guidelines, 2015. Collection method: clinical testing. Allele origin: unknown.

Genome-Nilou Lab
Classification: Uncertain significance for Polycystic kidney disease 4. Last evaluated: 2021-07-22. Review status: criteria provided, single submitter. Criteria: ACMG Guidelines, 2015. Collection method: clinical testing. Allele origin: germline. Affected: no.

NM_138694.4(PKHD1):c.4273C>T (p.Leu1425Phe)

Gene: PKHD1 (PKHD1 ciliary IPT domain containing fibrocystin/polyductin; minus strand). Cytogenetic location: 6p12.2.
Variant type: single nucleotide variant.
Coding change: c.4273C>T on transcript NM_138694.4 (MANE Select); coding-DNA position 4273, C replaced by T.
Protein change: p.Leu1425Phe; replaces leucine 1425 with phenylalanine.
Molecular consequence: missense variant.
Genome position (GRCh38, 1-based): chr6:52,025,537, G>A on the plus strand (C>T on the coding strand, the complement: PKHD1 is on the minus strand). VCF-style: chr6-52025537-G-A. GRCh37 (hg19) VCF-style: chr6-51890335-G-A.
Other names: c.4273C>T, p.Leu1425Phe (NM_170724.3); short protein forms L1425F.
Identifiers: ClinVar variation 1209695 (VCV001209695.5), dbSNP rs565836750, ClinGen allele CA3852747.